The following is an entry in ClinVar:

NM_001909.5(CTSD):c.769G>A (p.Gly257Ser)

Gene: CTSD (cathepsin D; minus strand). Cytogenetic location: 11p15.5.
Variant type: single nucleotide variant.
Coding change: c.769G>A on transcript NM_001909.5 (MANE Select); coding-DNA position 769, G replaced by A.
Protein change: p.Gly257Ser; replaces glycine 257 with serine.
Molecular consequence: missense variant.
Genome position (GRCh38, 1-based): chr11:1,754,964, C>T on the plus strand (G>A on the coding strand, the complement: CTSD is on the minus strand). VCF-style: chr11-1754964-C-T. GRCh37 (hg19) VCF-style: chr11-1776194-C-T.
Other names: short protein forms G257S.
Identifiers: ClinVar variation 655851 (VCV000655851.7), dbSNP rs746312808, ClinGen allele CA5814069.

ClinVar aggregate classification (germline): Uncertain significance. Review status: criteria provided, multiple submitters, no conflicts (2 of 4 stars). 2 submissions from 2 submitters: Uncertain significance (2). Last evaluated 2023-03-28.

Conditions:
Neuronal ceroid lipofuscinosis. Also called: Neuronal Ceroid Lipofuscinoses. Identifiers: Orphanet 216, Orphanet 79263, MedGen C0027877, MONDO:0016295. Disease mechanism: loss of function.

Allele frequency attached by ClinVar (database versions not stated): gnomAD exomes below 0.00001; ExAC 0.00001; gnomAD 0.00001; TOPMed 0.00001.

Submissions (2):

Blueprint Genetics
Classification: Uncertain significance. Last evaluated: 2023-03-28. Review status: criteria provided, single submitter. Criteria: ACMG Guidelines, 2015. Collection method: clinical testing. Allele origin: germline.

Labcorp Genetics (formerly Invitae), Labcorp
Classification: Uncertain significance for Neuronal ceroid lipofuscinosis. Last evaluated: 2022-06-14. Review status: criteria provided, single submitter. Criteria: Invitae Variant Classification Sherloc (09022015). Collection method: clinical testing. Allele origin: germline.
Comment: This sequence change replaces glycine, which is neutral and non-polar, with serine, which is neutral and polar, at codon 257 of the CTSD protein (p.Gly257Ser). This variant is present in population databases (rs746312808, gnomAD 0.006%). This variant has not been reported in the literature in individuals affected with CTSD-related conditions. ClinVar contains an entry for this variant (Variation ID: 655851). Algorithms developed to predict the effect of missense changes on protein structure and function are either unavailable or do not agree on the potential impact of this missense change (SIFT: "Deleterious"; PolyPhen-2: "Probably Damaging"; Align-GVGD: "Class C0"). In summary, the available evidence is currently insufficient to determine the role of this variant in disease. Therefore, it has been classified as a Variant of Uncertain Significance.